The following is an entry in ClinVar:

ClinVar aggregate classification (germline): Benign. Review status: criteria provided, multiple submitters, no conflicts (2 of 4 stars). 2 submissions from 2 submitters: Benign (2). Last evaluated 2018-06-19.

Allele frequency attached by ClinVar (database versions not stated): gnomAD 0.10147 and 0.10420; TOPMed 0.10334; 1000 Genomes Project 0.10443; 1000 Genomes Project 30x 0.10556; gnomAD exomes 0.11607.
gnomAD v4.1: 107,164 of 936,476 alleles (11%); highest among the groups gnomAD compares: South Asian, 18%; 7,003 homozygotes.

Submissions (2):

GeneDx
Classification: Benign. Last evaluated: 2018-06-19. Review status: criteria provided, single submitter. Criteria: GeneDx Variant Classification (06012015). Collection method: clinical testing. Allele origin: germline. Affected: yes.
Comment: This variant is considered likely benign or benign based on one or more of the following criteria: it is a conservative change, it occurs at a poorly conserved position in the protein, it is predicted to be benign by multiple in silico algorithms, and/or has population frequency not consistent with disease.

Breakthrough Genomics
Classification: Benign. Review status: criteria provided, single submitter. Criteria: ACMG Guidelines, 2015. Collection method: not provided. Allele origin: germline. Inheritance: Autosomal recessive inheritance. Affected: yes.

NM_003850.3(SUCLA2):c.535-136A>G

Gene: SUCLA2 (succinate-CoA ligase ADP-forming subunit beta; minus strand). Cytogenetic location: 13q14.2.
Variant type: single nucleotide variant.
Coding change: c.535-136A>G on transcript NM_003850.3 (MANE Select); 136 bases into the intron before coding-DNA position 535, A replaced by G.
Molecular consequence: intron variant.
Genome position (GRCh38, 1-based): chr13:47,973,528, T>C on the plus strand (A>G on the coding strand, the complement: SUCLA2 is on the minus strand). VCF-style: chr13-47973528-T-C. GRCh37 (hg19) VCF-style: chr13-48547663-T-C.
Identifiers: ClinVar variation 676453 (VCV000676453.2), dbSNP rs7326861, ClinGen allele CA13859201.
Genomic context (GRCh38, chr13:47,973,528, plus strand): 5'-CATAATATCAGATGTAAGCATCTATTACTCTCTACCCACATTTTAAAATTTTCTTGAGAA[T>C]TTATCCTCACATCTCCAGCACAGTGCCCTCTTATAAATATTCAATTAAAGCAATGGATAA-3'